The following is an entry in ClinVar:

NM_000069.3(CACNA1S):c.4797+4A>C

Gene: CACNA1S (calcium voltage-gated channel subunit alpha1 S; minus strand). Cytogenetic location: 1q32.1.
Variant type: single nucleotide variant.
Coding change: c.4797+4A>C on transcript NM_000069.3 (MANE Select); 4 bases into the intron after coding-DNA position 4797, A replaced by C.
Molecular consequence: intron variant.
Genome position (GRCh38, 1-based): chr1:201,044,324, T>G on the plus strand (A>C on the coding strand, the complement: CACNA1S is on the minus strand). VCF-style: chr1-201044324-T-G. GRCh37 (hg19) VCF-style: chr1-201013452-T-G.
Identifiers: ClinVar variation 3074636 (VCV003074636.1), dbSNP rs2464415305, ClinGen allele CA2825000900.

ClinVar aggregate classification (germline): Uncertain significance (1 of 4 stars; one submission).

Conditions:
Malignant hyperthermia, susceptibility to, 5 (MHS5). Also called: CACNA1S-Related Malignant Hyperthermia Susceptibility. Identifiers: Orphanet 423, MedGen C1866077, MONDO:0011163, OMIM 601887.

Submission:

All of Us Research Program, National Institutes of Health
Classification: Uncertain significance for Malignant hyperthermia, susceptibility to, 5. Last evaluated: 2023-12-01. Review status: criteria provided, single submitter. Criteria: ACMG Guidelines, 2015. Collection method: clinical testing. Allele origin: germline. Inheritance: Autosomal dominant inheritance. Observed: 1 variant allele, 1 heterozygote.
Comment: This study involves interpretation of variants in research participants for the purpose of population health screening. Participant phenotype was not available at the time of variant classification. Additional details can be found in publication PMID: 35346344, PMCID: PMC8962531